The following is an entry in ClinVar:

ClinVar aggregate classification (germline): Uncertain significance (1 of 4 stars; one submission).

Conditions:
Tuberous sclerosis 2 (TSC2). Identifiers: Orphanet 805, MedGen C1860707, MONDO:0013199, OMIM 613254.

Submission:

Labcorp Genetics (formerly Invitae), Labcorp
Classification: Uncertain significance for Tuberous sclerosis 2. Last evaluated: 2019-05-01. Review status: criteria provided, single submitter. Criteria: Invitae Variant Classification Sherloc (09022015). Collection method: clinical testing. Allele origin: germline.
Comment: In summary, the available evidence is currently insufficient to determine the role of this variant in disease. Therefore, it has been classified as a Variant of Uncertain Significance. Algorithms developed to predict the effect of missense changes on protein structure and function are either unavailable or do not agree on the potential impact of this missense change (SIFT: "Deleterious"; PolyPhen-2: "Benign"; Align-GVGD: "Class C0"). This variant has not been reported in the literature in individuals with TSC2-related conditions. This variant is not present in population databases (ExAC no frequency). This sequence change replaces tyrosine with phenylalanine at codon 349 of the TSC2 protein (p.Tyr349Phe). The tyrosine residue is highly conserved and there is a small physicochemical difference between tyrosine and phenylalanine.

NM_000548.5(TSC2):c.1046A>T (p.Tyr349Phe)

Gene: TSC2 (TSC complex subunit 2; plus strand). Cytogenetic location: 16p13.3.
Variant type: single nucleotide variant.
Coding change: c.1046A>T on transcript NM_000548.5 (MANE Select); coding-DNA position 1046, A replaced by T.
Protein change: p.Tyr349Phe; replaces tyrosine 349 with phenylalanine.
Molecular consequence: missense variant.
Genome position (GRCh38, 1-based): chr16:2,060,740, A>T. VCF-style: chr16-2060740-A-T. GRCh37 (hg19) VCF-style: chr16-2110741-A-T.
Other names: c.1046A>T, p.Tyr349Phe (NM_001077183.3, NM_001114382.3, NM_001363528.2 and 3 more transcripts); c.935A>T, p.Tyr312Phe (NM_001318827.2); c.899A>T, p.Tyr300Phe (NM_001318829.2); c.446A>T, p.Tyr149Phe (NM_001318831.2); c.1079A>T, p.Tyr360Phe (NM_001318832.2); short protein forms Y300F, Y149F, Y360F, Y312F, Y349F.
Identifiers: ClinVar variation 842128 (VCV000842128.9), dbSNP rs1060500916, ClinGen allele CA394317783.